The following is an entry in ClinVar:

NM_003468.4(FZD5):c.484C>G (p.Pro162Ala)

Gene: FZD5 (frizzled class receptor 5; minus strand). Cytogenetic location: 2q33.3.
Variant type: single nucleotide variant.
Coding change: c.484C>G on transcript NM_003468.4 (MANE Select); coding-DNA position 484, C replaced by G.
Protein change: p.Pro162Ala; replaces proline 162 with alanine.
Molecular consequence: missense variant.
Genome position (GRCh38, 1-based): chr2:207,768,256, G>C on the plus strand (C>G on the coding strand, the complement: FZD5 is on the minus strand). VCF-style: chr2-207768256-G-C. GRCh37 (hg19) VCF-style: chr2-208632980-G-C.
Other names: short protein forms P162A.
Identifiers: ClinVar variation 2971885 (VCV002971885.3), dbSNP rs777952260, ClinGen allele CA350087311.

ClinVar aggregate classification (germline): Uncertain significance (1 of 4 stars; one submission).

Submission:

Labcorp Genetics (formerly Invitae), Labcorp
Classification: Uncertain significance. Last evaluated: 2023-03-08. Review status: criteria provided, single submitter. Criteria: Invitae Variant Classification Sherloc (09022015). Collection method: clinical testing. Allele origin: germline.
Comment: In summary, the available evidence is currently insufficient to determine the role of this variant in disease. Therefore, it has been classified as a Variant of Uncertain Significance. Algorithms developed to predict the effect of missense changes on protein structure and function output the following: SIFT: "Not Available"; PolyPhen-2: "Benign"; Align-GVGD: "Not Available". The alanine amino acid residue is found in multiple mammalian species, which suggests that this missense change does not adversely affect protein function. This variant has not been reported in the literature in individuals affected with FZD5-related conditions. This variant is not present in population databases (gnomAD no frequency). This sequence change replaces proline, which is neutral and non-polar, with alanine, which is neutral and non-polar, at codon 162 of the FZD5 protein (p.Pro162Ala).